The following is an entry in ClinVar:

NM_000059.4(BRCA2):c.3944G>A (p.Arg1315Lys)

Gene: BRCA2 (BRCA2 DNA repair associated; plus strand). Cytogenetic location: 13q13.1.
Variant type: single nucleotide variant.
Coding change: c.3944G>A on transcript NM_000059.4 (MANE Select); coding-DNA position 3944, G replaced by A.
Protein change: p.Arg1315Lys; replaces arginine 1315 with lysine.
Molecular consequence: missense variant.
Genome position (GRCh38, 1-based): chr13:32,338,299, G>A. VCF-style: chr13-32338299-G-A. GRCh37 (hg19) VCF-style: chr13-32912436-G-A.
Other names: short protein forms R1315K.
Identifiers: ClinVar variation 51571 (VCV000051571.4), dbSNP rs80358643, ClinGen allele CA019254.

ClinVar aggregate classification (germline): Likely benign. Review status: criteria provided, single submitter (1 of 4 stars). 2 submissions from 2 submitters: Likely benign (1). 1 of the submissions does not count toward it. Last evaluated 2023-03-23.

Conditions:
Breast-ovarian cancer, familial, susceptibility to, 2 (BROVCA2). Also called: BRCA2 Hereditary Breast and Ovarian Cancer. Identifiers: Orphanet 145, MedGen C2675520, MONDO:0012933, OMIM 612555. Disease mechanism: loss of function.
Hereditary cancer-predisposing syndrome. Also called: Neoplastic Syndromes, Hereditary; Tumor predisposition; Hereditary Cancer Syndrome; Hereditary neoplastic syndrome. Identifiers: Orphanet 140162, MedGen C0027672, MeSH D009386, MONDO:0015356.

Submissions (2):

University of Washington Department of Laboratory Medicine, University of Washington
Classification: Likely benign for Hereditary cancer-predisposing syndrome. Last evaluated: 2023-03-23. Review status: criteria provided, single submitter. Criteria: Dines et al. (Genet Med. 2020). Collection method: curation. Allele origin: germline.
Comment: Missense variant in a coldspot region where missense variants are very unlikely to be pathogenic (PMID:31911673).

BRCA2 exon 11 coldspot. Reclassification based on statistical prior probability.

Breast Cancer Information Core (BIC) (BRCA2)
Classification: Uncertain significance for Breast-ovarian cancer, familial 2. Last evaluated: 2001-10-29. Review status: no assertion criteria provided. Collection method: clinical testing. Allele origin: germline. Affected: yes. Observed: 1 variant allele. Not counted in ClinVar's aggregate classification.